The following is an entry in ClinVar:

NM_001347721.2(DYRK1A):c.490-1G>A

Gene: DYRK1A (dual specificity tyrosine phosphorylation regulated kinase 1A; plus strand). Cytogenetic location: 21q22.13.
Variant type: single nucleotide variant.
Coding change: c.490-1G>A on transcript NM_001347721.2 (MANE Select); the canonical splice acceptor site of the intron before coding-DNA position 490, G replaced by A.
Molecular consequence: splice acceptor variant.
Genome position (GRCh38, 1-based): chr21:37,486,466, G>A. VCF-style: chr21-37486466-G-A. GRCh37 (hg19) VCF-style: chr21-38858768-G-A.
Other names: c.517-1G>A (NM_001396.5, NM_101395.2, NM_130438.2); c.490-1G>A (NM_001347722.2, NM_130436.2); c.403-1G>A (NM_001347723.2).
Identifiers: ClinVar variation 424369 (VCV000424369.2), dbSNP rs1064796939, ClinGen allele CA16620997.

ClinVar aggregate classification (germline): Pathogenic (1 of 4 stars; one submission).

Submission:

GeneDx
Classification: Pathogenic. Last evaluated: 2017-03-15. Review status: criteria provided, single submitter. Criteria: GeneDx Variant Classification (06012015). Collection method: clinical testing. Allele origin: germline. Affected: yes.
Comment: The c.517-1G>A variant in the DYRK1A gene has not been reported previously as a pathogenic variant nor as a benign variant, to our knowledge. This splice site variant destroys the canonical splice acceptor site in intron 4. It is predicted to cause abnormal gene splicing, either leading to an abnormal message that is subject to nonsense-mediated mRNA decay, or to an abnormal protein product if the message is used for protein translation. The c.517-1G>A variant is not observed in large population cohorts (Lek et al., 2016; 1000 Genomes Consortium et al., 2015; Exome Variant Server). We interpret c.517-1G>A as a pathogenic variant.